The following continues an entry in ClinVar:

NM_025216.3(WNT10A):c.682T>A (p.Phe228Ile)

Gene: WNT10A. ClinVar aggregate classification (germline): Pathogenic/Likely pathogenic/Pathogenic, low penetrance. Pathogenic (30); Likely pathogenic (5); Pathogenic, low penetrance (2).

Submissions 8 to 20 of 44:

Natera, Inc.
Classification: Pathogenic for Schopf-Schulz-Passarge syndrome. Last evaluated: 2025-12-29. Review status: criteria provided, single submitter. Criteria: Natera Variant Classification Schema (03/2026). Collection method: clinical testing. Allele origin: germline.
Comment: The c.682T>A variant in WNT10A is a missense variant predicted to cause substitution of phenylalanine to isoleucine at amino acid 228. The frequency of this variant in the general population is greater than expected for disorder. This variant has been observed in at least one unaffected individual, with a zygosity that is consistent with the inheritance pattern for the associated condition (in gnomAD and/or literature). This variant has been observed in one or more individuals affected with the associated recessive disease, as either homozygous or compound heterozygous with a second variant (PMID: 24449199, 22581971). Additionally, this variant has been observed to segregate in affected family members (PMID: 24449199). Computational prediction algorithms indicate this variant is likely to affect gene or protein function. Given the available evidence, this variant is classified as Pathogenic.

Institute of Human Genetics, University of Leipzig Medical Center
Classification: Pathogenic for Tooth agenesis, selective, 4. Last evaluated: 2025-12-22. Review status: criteria provided, single submitter. Criteria: ACMG Guidelines, 2015. Collection method: clinical testing. Allele origin: maternal. Inheritance: Autosomal recessive inheritance. Affected: yes.
Comment: Criteria applied: PM3_VSTR,PP1_STR,PS3_SUP,PP3

MVZ Martinsried, Medicover Genetics
Classification: Pathogenic for Ectodermal dysplasia WNT10A related. Last evaluated: 2025-07-16. Review status: criteria provided, single submitter. Criteria: ClinGen Variant Curation SOP V3.2 + Classification Guidance July2025. Collection method: clinical testing. Allele origin: inherited. Affected: yes. Observed: 1 heterozygote.

Variantyx, Inc.
Classification: Pathogenic for Tooth agenesis, selective, 4. Last evaluated: 2025-03-12. Review status: criteria provided, single submitter. Criteria: Variantyx Assertion Criteria 2022. Collection method: clinical testing. Allele origin: germline. Affected: yes.
Comment: This is a nonsynonymous variant in the WNT10A gene (OMIM: 606268). Pathogenic variants in this gene have been associated with autosomal semidominant WNT10-related ectodermal dysplasia. This variant has been reported in the homozygous or compound heterozygous state in many unrelated, affected individuals (PMID: 19559398, 25629078, 28976000, 30426266, 30974434) (PM3_Very_Strong). Additionally, heterozygous carriers may have milder phenotypes with significantly reduced penetrance (PMID: 19559398, 21279306). The frequency of this variant in individuals with nonsyndromic hypodontia is significantly increased compared to controls (highest OR=17.9; p<0.05) (PMID: 22581971, 29364747). Functional studies have shown that this variant alters WNT10A protein function (PMID: 33034246) (PS3_Moderate). Multiple computational algorithms predict a deleterious effect for this variant (REVEL score: 0.863) (PP3_Moderate). This variant has a 2.5199% maximum allele frequency in control populations (gnomAD) (BS1). Based on the current evidence, this variant is classified as pathogenic for autosomal semidominant WNT10 related ectodermal dysplasia.

Laboratory of Genetics, Children's Clinical University Hospital Latvia
Classification: Pathogenic. Last evaluated: 2025-02-16. Review status: criteria provided, single submitter. Criteria: ACMG Guidelines, 2015. Collection method: clinical testing. Allele origin: germline. Affected: yes.

Blueprint Genetics
Classification: Pathogenic for WNT10A-related disorders. Last evaluated: 2024-11-25. Review status: criteria provided, single submitter. Criteria: ACMG Guidelines, 2015. Collection method: clinical testing. Allele origin: de novo. Affected: yes. Observed: 5 variant alleles.

Centre for Clinical Genetics and Genomic Diagnostics, Zealand University Hospital
Classification: Pathogenic. Last evaluated: 2024-11-07. Review status: criteria provided, single submitter. Criteria: ACMG Guidelines, 2015. Collection method: clinical testing. Allele origin: germline.

Women's Health and Genetics/Laboratory Corporation of America, LabCorp
Classification: Pathogenic for Odonto-onycho-dermal dysplasia. Last evaluated: 2024-10-07. Review status: criteria provided, single submitter. Criteria: LabCorp Variant Classification Summary - May 2015. Collection method: clinical testing. Allele origin: germline.
Comment: Variant summary: WNT10A c.682T>A (p.Phe228Ile) results in a non-conservative amino acid change in the encoded protein sequence. Five of five in-silico tools predict a damaging effect of the variant on protein function. The variant allele was found at a frequency of 0.014 in 243534 control chromosomes in the gnomAD database, including 41 homozygotes. However, c.682T>A is a known low-penetrance disease variant that has been reported in the literature in multiple individuals affected with Odonto-onycho-dermal dysplasia in the heterozygous, compound heterozygous, and homozygous state (e.g. Arte_2013). These data indicate that the variant is very likely to be associated with disease. At least one publication reports experimental evidence evaluating an impact on protein function, finding that the variant disrupts WNT signaling (Zeng_2020). The following publications have been ascertained in the context of this evaluation (PMID: 23991204, 33034246). ClinVar contains an entry for this variant (Variation ID: 4462). Based on the evidence outlined above, the variant was classified as pathogenic.

Rady Children's Institute for Genomic Medicine, Rady Children's Hospital San Diego
Classification: Pathogenic for WNT10A-related ectodermal dysplasia. Last evaluated: 2024-09-11. Review status: criteria provided, single submitter. Criteria: ACMG Guidelines, 2015. Collection method: clinical testing. Allele origin: germline. Affected: yes.
Comment: The c.682T>A (p.Phe228Ile) variant affects a highly conserved amino acid and is predicted by multiple in silico tools to have a deleterious effect on protein function. This variant has been previously reported as a heterozygous, compound heterozygous and homozygous change in individuals with WNT10A-related disorders (PMID: 36294409, 35999385, 32618450, 30426266, 28976000, 28813618, 23991204, 19559398). The c.682T>A (p.Phe228Ile) variant is located in the Wnt domain, which is a known hotspot domain for pathogenic variations associated with WNT10A-related disorders (PMID: 20301291). The c.682T>A (p.Phe228Ile) variant is present in the latest version of the gnomAD population database at a frequency of 2.1% (33427/1608024), including 449 homozygote individuals. Based on the available evidence, c.682T>A (p.Phe228Ile) is classified as Pathogenic.

Fulgent Genetics
Classification: Likely pathogenic for Tooth agenesis, selective, 4; Schöpf-Schulz-Passarge syndrome; Odonto-onycho-dermal dysplasia. Last evaluated: 2024-06-24. Review status: criteria provided, single submitter. Criteria: ACMG Guidelines, 2015. Collection method: clinical testing. Allele origin: germline.

Clinical Genomics Laboratory, Washington University in St. Louis
Classification: Pathogenic for Tooth agenesis, selective, 4. Last evaluated: 2024-05-29. Review status: criteria provided, single submitter. Criteria: ACMG Guidelines, 2015. Collection method: clinical testing. Allele origin: germline. Affected: yes.
Comment: The WNT10A c.682T>A (p.Phe228Ile) variant has been reported in a genome-wide association study to be significantly associated with tooth agenesis with incomplete penetrance and variable expressivity, and individuals who are homozygous for the variant have a more severe phenotype (heterozygous odds ratio 3.0; homozygous odds ratio 51.3; Jonsson L et al., PMID: 29364747). This variant has been reported in the ClinVar database as a germline pathogenic variant by several submitters, though several clarify that the variant is low penetrance or a risk allele. The overall population minor allele frequency in the population database genome aggregation database (v.2.1.1) is 1.37%, which is lower than the incidence of tooth agenesis excluding third molars (Jonsson L et al., PMID: 29364747). Computational predictors indicate that the variant is damaging, evidence that correlates with impact to WNT10A function. Based on available information and the ACMG/AMP guidelines for variant interpretation (Richards S et al., PMID: 25741868), this variant is classified as pathogenic with incomplete penetrance and variable expressivity.

Ambry Genetics
Classification: Pathogenic for Inborn genetic diseases. Last evaluated: 2024-04-25. Review status: criteria provided, single submitter. Criteria: Ambry Variant Classification Scheme 2023. Collection method: clinical testing. Allele origin: germline.
Comment: The c.682T>A (p.F228I) alteration is located in coding exon 3 of the WNT10A gene. This alteration results from a T to A substitution at nucleotide position 682, causing the phenylalanine (F) at amino acid position 228 to be replaced by an isoleucine (I). Based on data from gnomAD, the A allele has an overall frequency of 1.372% (3770/274884) total alleles studied. The highest observed frequency was 3.482% (359/10310) of Ashkenazi Jewish alleles. The p.F228I alteration is often associated with a severe ectodermal dysplasia phenotype when occurring in the homozygous or compound heterozygous state with other pathogenic alterations (Bohring, 2009; Plaisanci&eacute;, 2013; Reuter, 2018; Guazzarotti, 2018; Ruiz-Heiland, 2019). A genome-wide association study (GWAS) found a significant association between this alteration and tooth agenesis (p-value=5.2 x 10-6; odds ratio for heteterozygotes = 3.0; odds ratio for homozygotes = 51.3; Jonsson, 2018). Individuals who are heterozygous for the p.F228I alteration may have a mild phenotype including dental anomalies and palmar/plantar hyperkeratosis, though penetrance is incomplete and expression is variable (Bohring, 2009; Guazzarotti, 2018; Ruiz-Heiland, 2019). This amino acid position is highly conserved in available vertebrate species. This alteration is predicted to be deleterious by in silico analysis. Based on the available evidence, this alteration is classified as pathogenic.

Department of Pathology and Laboratory Medicine, Sinai Health System
Classification: Likely pathogenic for Schöpf-Schulz-Passarge syndrome; Tooth agenesis, selective, 4; Odonto-onycho-dermal dysplasia. Last evaluated: 2023-09-19. Review status: criteria provided, single submitter. Criteria: ACMG Guidelines, 2015. Collection method: research. Allele origin: germline.